The following is an entry in ClinVar:

ClinVar aggregate classification (germline): Conflicting classifications of pathogenicity. Review status: criteria provided, conflicting classifications (1 of 4 stars). 3 submissions from 2 submitters: Uncertain significance (1); Likely benign (2). Last evaluated 2022-07-12.

Conditions:
Melnick-Fraser syndrome (BOR). Also called: Branchiootorenal Syndrome (BORS); Branchiootorenal syndrome; Branchio-oto-renal syndrome. Identifiers: Orphanet 107, MedGen C0265234, MONDO:0007029.
Otofaciocervical syndrome 1 (OTFCS). Identifiers: MedGen C3714941, MONDO:0024532, OMIM 166780.
Branchiootic syndrome 1 (BOS1). Also called: BO SYNDROME 1; BRANCHIOOTIC DYSPLASIA. Identifiers: MedGen C1865143, MONDO:0011258, OMIM 602588.

Allele frequency attached by ClinVar (database versions not stated): gnomAD exomes below 0.00001 and 0.00001; TOPMed below 0.00001; gnomAD 0.00001; ExAC 0.00002.
gnomAD v4.1: 11 of 1,613,756 alleles (0.00068%); highest among the groups gnomAD compares: Non-Finnish European, 0.00085%; no homozygotes.

Submissions (3):

Labcorp Genetics (formerly Invitae), Labcorp
Classification: Uncertain significance for Melnick-Fraser syndrome. Last evaluated: 2022-07-12. Review status: criteria provided, single submitter. Criteria: Invitae Variant Classification Sherloc (09022015). Collection method: clinical testing. Allele origin: germline.
Comment: This variant has not been reported in the literature in individuals affected with EYA1-related conditions. In summary, the available evidence is currently insufficient to determine the role of this variant in disease. Therefore, it has been classified as a Variant of Uncertain Significance. Algorithms developed to predict the effect of missense changes on protein structure and function are either unavailable or do not agree on the potential impact of this missense change (SIFT: "Tolerated"; PolyPhen-2: "Probably Damaging"; Align-GVGD: "Class C0"). ClinVar contains an entry for this variant (Variation ID: 909629). This variant is present in population databases (rs770356158, gnomAD 0.002%). This sequence change replaces arginine, which is basic and polar, with glutamine, which is neutral and polar, at codon 77 of the EYA1 protein (p.Arg77Gln).

Illumina Laboratory Services, Illumina
Classification: Likely benign for Branchiootic syndrome. Last evaluated: 2018-01-13. Review status: criteria provided, single submitter. Criteria: ICSL Variant Classification Criteria 13 December 2019. Collection method: clinical testing. Allele origin: germline.
Comment: This variant was observed in the ICSL laboratory as part of a predisposition screen in an ostensibly healthy population. It had not been previously curated by ICSL or reported in the Human Gene Mutation Database (HGMD: prior to June 1st, 2018), and was therefore a candidate for classification through an automated scoring system. Utilizing variant allele frequency, disease prevalence and penetrance estimates, and inheritance mode, an automated score was calculated to assess if this variant is too frequent to cause the disease. Based on the score and internal cut-off values, a variant classified as likely benign is not then subjected to further curation. The score for this variant resulted in a classification of likely benign for this disease.

Illumina Laboratory Services, Illumina
Classification: Likely benign for Otofaciocervical syndrome 1. Last evaluated: 2018-01-13. Review status: criteria provided, single submitter. Criteria: ICSL Variant Classification Criteria 13 December 2019. Collection method: clinical testing. Allele origin: germline.
Comment: the same text as in the submission from Illumina Laboratory Services, Illumina above.

NM_000503.6(EYA1):c.230G>A (p.Arg77Gln)

Gene: EYA1 (EYA transcriptional coactivator and phosphatase 1; minus strand). Cytogenetic location: 8q13.3.
Variant type: single nucleotide variant.
Coding change: c.230G>A on transcript NM_000503.6 (MANE Select); coding-DNA position 230, G replaced by A.
Protein change: p.Arg77Gln; replaces arginine 77 with glutamine.
Molecular consequence: missense variant. On other transcripts: 5 prime UTR variant (1).
Genome position (GRCh38, 1-based): chr8:71,322,241, C>T on the plus strand (G>A on the coding strand, the complement: EYA1 is on the minus strand). VCF-style: chr8-71322241-C-T. GRCh37 (hg19) VCF-style: chr8-72234476-C-T.
Other names: c.230G>A, p.Arg77Gln (NM_001288574.2, NM_001370334.1, NM_001370335.1 and 1 more transcripts); c.-55G>A (NM_001288575.2); c.317G>A, p.Arg106Gln (NM_001370333.1, NM_001370336.1, NM_172059.5); short protein forms R106Q, R77Q.
Identifiers: ClinVar variation 909629 (VCV000909629.9), dbSNP rs770356158, ClinGen allele CA4779848.